The following is an entry in ClinVar:

ClinVar aggregate classification (germline): Likely pathogenic (0 of 4 stars; one submission).

Conditions:
Muscle eye brain disease (MEB). Also called: Santavuori congenital muscular dystrophy. Identifiers: Orphanet 588, Orphanet 899, MedGen C0457133, MONDO:0018939.

Allele frequency attached by ClinVar (database versions not stated): gnomAD exomes below 0.00001.
gnomAD v4.1: 1 of 1,611,670 alleles (0.000062%); highest among the groups gnomAD compares: Non-Finnish European, 0.000085%; no homozygotes.

Submission:

Juha Muilu Group; Institute for Molecular Medicine Finland (FIMM)
Classification: Likely pathogenic for Muscle eye brain disease. Review status: no assertion criteria provided. Collection method: not provided. Allele origin: unknown.
Comment: FinDis database variant: This variant was not found or characterized by our laboratory, data were collected from public sources: see reference
ClinVar note: Converted during submission from probable-pathogenic to Likely pathogenic.

NM_017739.4(POMGNT1):c.1540-2A>G

Genes: POMGNT1 (protein O-linked mannose N-acetylglucosaminyltransferase 1 (beta 1,2-); minus strand), TSPAN1 (tetraspanin 1; plus strand). Cytogenetic location: 1p34.1.
Variant type: single nucleotide variant.
Coding change: c.1540-2A>G on transcript NM_017739.4 (MANE Select); the canonical splice acceptor site of the intron before coding-DNA position 1540, A replaced by G.
Molecular consequence: splice acceptor variant.
Genome position (GRCh38, 1-based): chr1:46,190,786, T>C on the plus strand (A>G on the coding strand, the complement: POMGNT1 is on the minus strand). VCF-style: chr1-46190786-T-C. GRCh37 (hg19) VCF-style: chr1-46656458-T-C.
Other names: c.1540-2A>G (NM_001243766.2, NM_001438686.1, NM_001438688.1 and 3 more transcripts); c.1474-2A>G (NM_001290129.3, NM_001438691.1, NM_001438692.1); c.1111-2A>G (NM_001290130.2).
Identifiers: ClinVar variation 56584 (VCV000056584.2), dbSNP rs386834016, ClinGen allele CA263950.
Genomic context (GRCh38, chr1:46,190,786, plus strand): 5'-ACATTCCTGAGCTGGACACCTGGAACCGTGTTGAACTTGTGCTTCTTGAAGTAGGCCTCC[T>C]GGAGTGGGTATGAGAGTGAAAATCAGCACCTCACATTGTCTGGCCCACACCCACTTGCTG-3'